The following is an entry in ClinVar:

NM_000465.4(BARD1):c.1768G>A (p.Val590Ile)

Gene: BARD1 (BRCA1 associated RING domain 1; minus strand). Cytogenetic location: 2q35.
Variant type: single nucleotide variant.
Coding change: c.1768G>A on transcript NM_000465.4 (MANE Select); coding-DNA position 1768, G replaced by A.
Protein change: p.Val590Ile; replaces valine 590 with isoleucine.
Molecular consequence: missense variant. On other transcripts: non-coding transcript variant (3), intron variant (1).
Genome position (GRCh38, 1-based): chr2:214,745,764, C>T on the plus strand (G>A on the coding strand, the complement: BARD1 is on the minus strand). VCF-style: chr2-214745764-C-T. GRCh37 (hg19) VCF-style: chr2-215610488-C-T.
Other names: c.1711G>A, p.Val571Ile (NM_001282543.2); c.415G>A, p.Val139Ile (NM_001282545.2); c.358G>A, p.Val120Ile (NM_001282548.2); c.365-15256G>A (NM_001282549.2); c.1768G>A (NM_000465.3); short protein forms V120I, V590I, V571I, V139I.
Identifiers: ClinVar variation 1779718 (VCV001779718.9), dbSNP rs876660261, ClinGen allele CA350452799.
Genomic context (GRCh38, chr2:214,745,764, plus strand): 5'-AAAATTCAAAATCCTCACCTGTACTGTCAAACTCAGTATATTTTTTAGCCTTAAGAATTA[C>T]TGCAAGCTCACTGAGCATTTTCTGTTGTTCTGAAGACAGCCCACTGCCTATAAGTACAAG-3'
Protein context (NP_000456.2, residues 580-600): EQQKMLSELA[Val590Ile]ILKAKKYTEF

ClinVar aggregate classification (germline): Uncertain significance. Review status: criteria provided, multiple submitters, no conflicts (2 of 4 stars). 3 submissions from 3 submitters: Uncertain significance (3). Last evaluated 2025-12-10.

Conditions:
Hereditary cancer-predisposing syndrome. Also called: Neoplastic Syndromes, Hereditary; Tumor predisposition; Hereditary Cancer Syndrome; Hereditary neoplastic syndrome. Identifiers: Orphanet 140162, MedGen C0027672, MeSH D009386, MONDO:0015356.
Familial cancer of breast. Also called: BREAST CANCER, FAMILIAL; Hereditary breast cancer; hereditary breast carcinoma. Identifiers: Orphanet 227535, MedGen C0346153, MONDO:0016419, OMIM 114480. Disease mechanism: loss of function.

Allele frequency attached by ClinVar (database versions not stated): gnomAD exomes below 0.00001.
gnomAD v4.1: 1 of 1,614,054 alleles (0.000062%); highest among the groups gnomAD compares: Non-Finnish European, 0.000085%; no homozygotes.

Submissions (3):

Ambry Genetics
Classification: Uncertain significance for Hereditary cancer-predisposing syndrome. Last evaluated: 2025-12-10. Review status: criteria provided, single submitter. Criteria: Ambry Variant Classification Scheme 2023. Collection method: clinical testing. Allele origin: germline.

Labcorp Genetics (formerly Invitae), Labcorp
Classification: Uncertain significance for Familial cancer of breast. Last evaluated: 2025-05-07. Review status: criteria provided, single submitter. Criteria: Invitae Variant Classification Sherloc (09022015). Collection method: clinical testing. Allele origin: germline.
Comment: This sequence change replaces valine, which is neutral and non-polar, with isoleucine, which is neutral and non-polar, at codon 590 of the BARD1 protein (p.Val590Ile). This variant is not present in population databases (gnomAD no frequency). This variant has not been reported in the literature in individuals affected with BARD1-related conditions. ClinVar contains an entry for this variant (Variation ID: 1779718). An algorithm developed to predict the effect of missense changes on protein structure and function (PolyPhen-2) suggests that this variant is likely to be tolerated. In summary, the available evidence is currently insufficient to determine the role of this variant in disease. Therefore, it has been classified as a Variant of Uncertain Significance.

Quest Diagnostics Nichols Institute San Juan Capistrano
Classification: Uncertain significance. Last evaluated: 2024-07-26. Review status: criteria provided, single submitter. Criteria: Quest Diagnostics criteria. Collection method: clinical testing. Allele origin: unknown.
Comment: The BARD1 c.1768G>A (p.Val590Ile) variant has not been reported in individuals with BARD1-related conditions in the published literature. It also has not been reported in large, multi-ethnic general populations (Genome Aggregation Database). Analysis of this variant using bioinformatics tools for the prediction of the effect of amino acid changes on protein structure and function yielded predictions that this variant is benign. Based on the available information, we are unable to determine the clinical significance of this variant.